The following is an entry in ClinVar:

ClinVar aggregate classification (germline): Uncertain significance. Review status: criteria provided, single submitter (1 of 4 stars). 2 submissions from 2 submitters: Uncertain significance (1). 1 of the submissions does not count toward it. Last evaluated 2022-06-30.

Conditions:
Bardet-Biedl syndrome (BBS). Identifiers: Orphanet 110, MedGen C0752166, MONDO:0015229.
Bardet-Biedl syndrome 10 (BBS10). Identifiers: Orphanet 110, MedGen C1859568, MONDO:0014438, OMIM 615987.

Allele frequency attached by ClinVar (database versions not stated): TOPMed 0.00001; gnomAD exomes 0.00002; gnomAD 0.00003.

Submissions (2):

Labcorp Genetics (formerly Invitae), Labcorp
Classification: Uncertain significance for Bardet-Biedl syndrome. Last evaluated: 2022-06-30. Review status: criteria provided, single submitter. Criteria: Invitae Variant Classification Sherloc (09022015). Collection method: clinical testing. Allele origin: germline.
Comment: This sequence change replaces serine, which is neutral and polar, with threonine, which is neutral and polar, at codon 303 of the BBS10 protein (p.Ser303Thr). This variant is present in population databases (no rsID available, gnomAD 0.004%). This variant has not been reported in the literature in individuals affected with BBS10-related conditions. ClinVar contains an entry for this variant (Variation ID: 846351). Algorithms developed to predict the effect of missense changes on protein structure and function (SIFT, PolyPhen-2, Align-GVGD) all suggest that this variant is likely to be tolerated. In summary, the available evidence is currently insufficient to determine the role of this variant in disease. Therefore, it has been classified as a Variant of Uncertain Significance.

Natera, Inc.
Classification: Uncertain significance for Bardet-Biedl syndrome type 10. Last evaluated: 2020-02-26. Review status: no assertion criteria provided. Collection method: clinical testing. Allele origin: germline. Not counted in ClinVar's aggregate classification.

NM_024685.4(BBS10):c.908G>C (p.Ser303Thr)

Gene: BBS10 (Bardet-Biedl syndrome 10; minus strand). Cytogenetic location: 12q21.2.
Variant type: single nucleotide variant.
Coding change: c.908G>C on transcript NM_024685.4 (MANE Select); coding-DNA position 908, G replaced by C.
Protein change: p.Ser303Thr; replaces serine 303 with threonine.
Molecular consequence: missense variant.
Genome position (GRCh38, 1-based): chr12:76,347,077, C>G on the plus strand (G>C on the coding strand, the complement: BBS10 is on the minus strand). VCF-style: chr12-76347077-C-G. GRCh37 (hg19) VCF-style: chr12-76740857-C-G.
Other names: short protein forms S303T.
Identifiers: ClinVar variation 846351 (VCV000846351.5), dbSNP rs1160564103, ClinGen allele CA385813678.